The following is an entry in ClinVar:

NM_000138.5(FBN1):c.850C>T (p.Gln284Ter)

Gene: FBN1 (fibrillin 1; minus strand). Cytogenetic location: 15q21.1.
Variant type: single nucleotide variant.
Coding change: c.850C>T on transcript NM_000138.5 (MANE Select); coding-DNA position 850, C replaced by T.
Protein change: p.Gln284Ter; replaces glutamine 284 with a stop codon.
Molecular consequence: nonsense.
Genome position (GRCh38, 1-based): chr15:48,534,092, G>A on the plus strand (C>T on the coding strand, the complement: FBN1 is on the minus strand). VCF-style: chr15-48534092-G-A. GRCh37 (hg19) VCF-style: chr15-48826289-G-A.
Other names: c.850C>T, p.Gln284Ter (NM_001406716.1, NM_001406717.1); short protein forms Q284*.
Identifiers: ClinVar variation 4783807 (VCV004783807.1).

ClinVar aggregate classification (germline): Pathogenic (1 of 4 stars; one submission).

Conditions:
Marfan syndrome (MFS). Also called: FBN1-Related Marfan Syndrome; MARFAN SYNDROME, TYPE I; Marfan syndrome type 1; Marfan's syndrome; Marfan syndrome, classic. Identifiers: Orphanet 284963, Orphanet 558, MedGen C0024796, MONDO:0007947, OMIM 154700.
Familial thoracic aortic aneurysm and aortic dissection (TAAD). Also called: Thoracic aortic aneurysms and dissections. Identifiers: Orphanet 91387, MedGen C4707243, MONDO:0019625.

Submission:

Labcorp Genetics (formerly Invitae), Labcorp
Classification: Pathogenic for Marfan syndrome; Familial thoracic aortic aneurysm and aortic dissection. Last evaluated: 2025-08-06. Review status: criteria provided, single submitter. Criteria: Invitae Variant Classification Sherloc (09022015). Collection method: clinical testing. Allele origin: germline.
Comment: This sequence change creates a premature translational stop signal (p.Gln284*) in the FBN1 gene. It is expected to result in an absent or disrupted protein product. Loss-of-function variants in FBN1 are known to be pathogenic (PMID: 17657824, 19293843). This variant is not present in population databases (gnomAD no frequency). This premature translational stop signal has been observed in individual(s) with Marfan syndrome (PMID: 17657824). For these reasons, this variant has been classified as Pathogenic.

Literature cited by the submitters: PubMed 17657824; PubMed 19293843.